The following is an entry in ClinVar:

NM_020821.3(VPS13C):c.1709C>T (p.Ala570Val)

Gene: VPS13C (vacuolar protein sorting 13 homolog C; minus strand). Cytogenetic location: 15q22.2.
Variant type: single nucleotide variant.
Coding change: c.1709C>T on transcript NM_020821.3 (MANE Select); coding-DNA position 1709, C replaced by T.
Protein change: p.Ala570Val; replaces alanine 570 with valine.
Molecular consequence: missense variant.
Genome position (GRCh38, 1-based): chr15:61,984,869, G>A on the plus strand (C>T on the coding strand, the complement: VPS13C is on the minus strand). VCF-style: chr15-61984869-G-A. GRCh37 (hg19) VCF-style: chr15-62277068-G-A.
Other names: c.1709C>T, p.Ala570Val (NM_001018088.3); c.1580C>T, p.Ala527Val (NM_017684.5, NM_018080.4); short protein forms A527V, A570V.
Identifiers: ClinVar variation 1933041 (VCV001933041.5), dbSNP rs1283513969, ClinGen allele CA392683505.

ClinVar aggregate classification (germline): Uncertain significance (1 of 4 stars; one submission).

Allele frequency attached by ClinVar (database versions not stated): gnomAD 0.00001; TOPMed 0.00001.

Submission:

Labcorp Genetics (formerly Invitae), Labcorp
Classification: Uncertain significance. Last evaluated: 2022-08-10. Review status: criteria provided, single submitter. Criteria: Invitae Variant Classification Sherloc (09022015). Collection method: clinical testing. Allele origin: germline.
Comment: In summary, the available evidence is currently insufficient to determine the role of this variant in disease. Therefore, it has been classified as a Variant of Uncertain Significance. This sequence change replaces alanine, which is neutral and non-polar, with valine, which is neutral and non-polar, at codon 570 of the VPS13C protein (p.Ala570Val). This variant is present in population databases (no rsID available, gnomAD 0.0009%). This variant has not been reported in the literature in individuals affected with VPS13C-related conditions. Algorithms developed to predict the effect of missense changes on protein structure and function are either unavailable or do not agree on the potential impact of this missense change (SIFT: "Deleterious"; PolyPhen-2: "Probably Damaging"; Align-GVGD: "Class C0").